The following is an entry in ClinVar:

NM_006648.4(WNK2):c.4248G>C (p.Gln1416His)

Gene: WNK2 (WNK lysine deficient protein kinase 2; plus strand). Cytogenetic location: 9q22.31.
Variant type: single nucleotide variant.
Coding change: c.4248G>C on transcript NM_006648.4 (MANE Select); coding-DNA position 4248, G replaced by C.
Protein change: p.Gln1416His; replaces glutamine 1416 with histidine.
Molecular consequence: missense variant.
Genome position (GRCh38, 1-based): chr9:93,289,002, G>C. VCF-style: chr9-93289002-G-C. GRCh37 (hg19) VCF-style: chr9-96051284-G-C.
Other names: c.4359G>C, p.Gln1453His (NM_001282394.3); short protein forms Q1416H, Q1453H.
Identifiers: ClinVar variation 4842105 (VCV004842105.1).

ClinVar aggregate classification (germline): Uncertain significance (1 of 4 stars; one submission).

Submission:

Ambry Genetics
Classification: Uncertain significance. Last evaluated: 2025-12-23. Review status: criteria provided, single submitter. Criteria: Ambry Variant Classification Scheme 2023. Collection method: clinical testing. Allele origin: germline.
Comment: The p.Q1416H variant (also known as c.4248G>C), located in coding exon 19 of the WNK2 gene, results from a G to C substitution at nucleotide position 4248. The glutamine at codon 1416 is replaced by histidine, an amino acid with highly similar properties. This amino acid position is conserved. In addition, this alteration is predicted to be tolerated by in silico analysis. Based on the available evidence, the clinical significance of this variant remains unclear.